The following is an entry in ClinVar:

NM_006302.3(MOGS):c.184G>A (p.Val62Met)

Genes: MOGS (mannosyl-oligosaccharide glucosidase; minus strand), LOC129934128 (ATAC-STARR-seq lymphoblastoid silent region 11664; plus strand). Cytogenetic location: 2p13.1.
Variant type: single nucleotide variant.
Coding change: c.184G>A on transcript NM_006302.3 (MANE Select); coding-DNA position 184, G replaced by A.
Protein change: p.Val62Met; replaces valine 62 with methionine.
Molecular consequence: missense variant. On other transcripts: intron variant (1).
Genome position (GRCh38, 1-based): chr2:74,465,064, C>T on the plus strand (G>A on the coding strand, the complement: MOGS is on the minus strand). VCF-style: chr2-74465064-C-T. GRCh37 (hg19) VCF-style: chr2-74692191-C-T.
Other names: c.-58-77G>A (NM_001146158.2); c.184G>A, p.Val62Met (LRG_1226t1); short protein forms V62M.
Identifiers: ClinVar variation 95359 (VCV000095359.14), dbSNP rs79181168, ClinGen allele CA148473.

ClinVar aggregate classification (germline): Benign/Likely benign. Review status: criteria provided, multiple submitters, no conflicts (2 of 4 stars). 6 submissions from 6 submitters: Benign (5); Likely benign (1). Last evaluated 2026-02-03.

Conditions:
MOGS-congenital disorder of glycosylation. Also called: CDG 2B; CDG IIb; MOGS-CDG; GLUCOSIDASE I DEFICIENCY. Identifiers: Orphanet 79330, MedGen C1853736, MONDO:0011629, OMIM 606056.

Allele frequency attached by ClinVar (database versions not stated): TOPMed 0.03752; gnomAD 0.03900 and 0.04027; gnomAD exomes 0.03900 and 0.05668; ESP Exome Variant Server 0.04160; 1000 Genomes Project 0.01737; 1000 Genomes Project 30x 0.01874; ExAC 0.05642.
gnomAD v4.1: 84,864 of 1,555,884 alleles (5.5%); highest among the groups gnomAD compares: Non-Finnish European, 6.6%; 2,755 homozygotes.

Submissions (6):

Labcorp Genetics (formerly Invitae), Labcorp
Classification: Benign for MOGS-congenital disorder of glycosylation. Last evaluated: 2026-02-03. Review status: criteria provided, single submitter. Criteria: Invitae Variant Classification Sherloc (09022015). Collection method: clinical testing. Allele origin: germline.

Women's Health and Genetics/Laboratory Corporation of America, LabCorp
Classification: Likely benign. Last evaluated: 2026-01-21. Review status: criteria provided, single submitter. Criteria: LabCorp Variant Classification Summary - May 2015. Collection method: clinical testing. Allele origin: germline.

Mayo Clinic Laboratories, Mayo Clinic
Classification: Benign. Last evaluated: 2022-09-06. Review status: criteria provided, single submitter. Criteria: ACMG Guidelines, 2015. Collection method: clinical testing. Allele origin: germline. Observed: 5 variant alleles.

GeneDx
Classification: Benign. Last evaluated: 2015-12-18. Review status: criteria provided, single submitter. Criteria: GeneDx Variant Classification (06012015). Collection method: clinical testing. Allele origin: germline. Affected: yes.
Comment: This variant is considered likely benign or benign based on one or more of the following criteria: it is a conservative change, it occurs at a poorly conserved position in the protein, it is predicted to be benign by multiple in silico algorithms, and/or has population frequency not consistent with disease.

Eurofins Ntd Llc (ga)
Classification: Benign. Last evaluated: 2013-01-11. Review status: criteria provided, single submitter. Criteria: EGL Classification Definitions 2015. Collection method: clinical testing. Allele origin: germline. Observed: 8 variant alleles, 7 heterozygotes, 1 homozygote.

Breakthrough Genomics
Classification: Benign. Review status: criteria provided, single submitter. Criteria: ACMG Guidelines, 2015. Collection method: not provided. Allele origin: germline. Inheritance: Autosomal recessive inheritance. Affected: yes.